The following is an entry in ClinVar:

ClinVar aggregate classification (germline): Uncertain significance. Review status: reviewed by expert panel (3 of 4 stars). 10 submissions from 10 submitters: Uncertain significance (1). 9 of the submissions do not count toward it. Last evaluated 2025-10-20.

Conditions:
Cardiovascular phenotype. Identifiers: MedGen CN230736.
ACVRL1-related disorder. Also called: ACVRL1-related disorders; ACVRL1-related condition.
Telangiectasia, hereditary hemorrhagic, type 2 (HHT2). Also called: ACVRL1-Related Hereditary Hemorrhagic Telangiectasia; Telangiectasia, hereditary hemorrhagic, type II. Identifiers: Orphanet 774, MedGen C1838163, MONDO:0010880, OMIM 600376. Disease mechanism: loss of function.

Allele frequency attached by ClinVar (database versions not stated): gnomAD exomes 0.00001 and 0.00002; gnomAD 0.00001; ExAC 0.00005.

Submissions (10):

ClinGen Hereditary Hemorrhagic Telangiectasia Variant Curation Expert Panel, ClinGen
Classification: Uncertain significance for Telangiectasia, hereditary hemorrhagic, type 2. Last evaluated: 2025-10-20. Review status: reviewed by expert panel. Criteria: ClinGen HHT ACMG Specifications ACVRL1 V1.1.0. Collection method: curation. Allele origin: germline. Inheritance: Autosomal dominant inheritance.
Comment: The NM_000020.3: c.139C>T variant in ACVRL1 is a missense variant predicted to cause substitution of arginine by tryptophan at amino acid 47 (p.Arg47Trp). The highest population minor allele frequency in gnomAD v2.1.1 is 0.00002013 (2/99350 alleles) in the European (non-Finnish) population, which is lower than the ClinGen Hereditary Hemorrhagic Telangiectasia VCEP threshold (<0.00004, or <6 total alleles) for PM2_Supporting, meeting this criterion (PM2_Supporting). The computational predictor REVEL gives a score of 0.397, which is neither above nor below the thresholds predicting a damaging or benign impact on ACVRL1 function. Another missense variant c.140G>C (p.Arg47Pro) (PMIDs: 16470589, 16542389, 22991266, 26176610) in the same codon has been classified as likely pathogenic/pathogenic for Hereditary Hemorrhagic Telangiectasia by the ClinGen Hereditary Hemorrhagic Telangiectasia Variant Curation Expert Panel (PM5). In summary, this variant meets the criteria to be classified as a variant of uncertain significance for autosomal dominant hereditary hemorrhagic telangiectasia based on the ACMG/AMP criteria applied, as specified by the ClinGen Hereditary Hemorrhagic Telangiectasia Variant Curation Expert Panel: PM2_Supporting, PM5 (specification version 1.1.0; 10/20/2025).

GeneDx
Classification: Likely pathogenic. Last evaluated: 2026-10-05. Review status: criteria provided, single submitter. Criteria: GeneDx Variant Classification Process June 2021. Collection method: clinical testing. Allele origin: germline. Not counted in ClinVar's aggregate classification.
Comment: Reported in a patient with adult-onset pulmonary arterial hypertension; additional details were not provided (PMID: 29631995); Not observed at significant frequency in large population cohorts (gnomAD); In silico analysis supports that this missense variant has a deleterious effect on protein structure/function; This variant is associated with the following publications: (PMID: 29631995)

PreventionGenetics, part of Exact Sciences
Classification: Uncertain significance for ACVRL1-related condition. Last evaluated: 2026-02-12. Review status: criteria provided, single submitter. Criteria: ACMG Guidelines, 2015. Collection method: clinical testing. Allele origin: germline. Not counted in ClinVar's aggregate classification.
Comment: The ACVRL1 c.139C>T variant is predicted to result in the amino acid substitution p.Arg47Trp. This variant has been reported in an individual with pulmonary arterial hypertension (Supplemental Table 2, ID JM120, Zhu et al. 2018. PubMed ID: 29631995). Of note, another variants impacting the same amino acid have been reported in individuals with hereditary hemorrhagic telangiectasis (c.140G>C (p.Arg47Pro), Wehner et al. 2006. PubMed ID: 16542389; Supplemental Table, Family 36, Nishida et al. 2012. PubMed ID: 22991266; Alaa El Din et al. 2015. PubMed ID: 26176610). Functional studies also showed that the p.Arg47Pro variant impacted protein function (Alaa El Din et al. 2015. PubMed ID: 26176610). This variant is reported in 0.0060% of alleles in individuals of East Asian descent in gnomAD. Although we suspect that this variant may be pathogenic, at this time, the clinical significance of this variant is uncertain due to the absence of conclusive functional and genetic evidence.

Dasa
Classification: Uncertain significance. Last evaluated: 2025-08-01. Review status: criteria provided, single submitter. Criteria: DASA Assertion Criteria. Collection method: clinical testing. Allele origin: germline. Not counted in ClinVar's aggregate classification.
Comment: NM_000020.3(ACVRL1):c.139C>T (p.Arg47Trp) is a missense variant that results in the substitution of arginine with tryptophan. The affected residue or protein region has prior evidence supporting clinical relevance. This variant is rare in population databases. The currently available literature and clinical evidence are not sufficient to establish a definitive association between this variant and the reported condition. Therefore, this variant is classified as a variant of uncertain significance.

Women's Health and Genetics/Laboratory Corporation of America, LabCorp
Classification: Uncertain significance. Last evaluated: 2025-06-11. Review status: criteria provided, single submitter. Criteria: LabCorp Variant Classification Summary - May 2015. Collection method: clinical testing. Allele origin: germline. Not counted in ClinVar's aggregate classification.
Comment: Variant summary: ACVRL1 c.139C>T (p.Arg47Trp) results in a non-conservative amino acid change in the encoded protein sequence. Algorithms developed to predict the effect of missense changes on protein structure and function are either unavailable or do not agree on the potential impact of this missense change. The variant allele was found at a frequency of 1.8e-05 in 221746 control chromosomes. The available data on variant occurrences in the general population are insufficient to allow any conclusion about variant significance. c.139C>T has been observed in individual(s) affected with Pulmonary arterial hypertension (Zhu_2018). These report(s) do not provide unequivocal conclusions about association of the variant with Hereditary Hemorrhagic Telangiectasia. To our knowledge, no experimental evidence demonstrating an impact on protein function has been reported. The following publication have been ascertained in the context of this evaluation (PMID: 29631995). ClinVar contains an entry for this variant (Variation ID: 1338955). Based on the evidence outlined above, the variant was classified as uncertain significance.

Mayo Clinic Laboratories, Mayo Clinic
Classification: Uncertain significance. Last evaluated: 2025-05-12. Review status: criteria provided, single submitter. Criteria: ACMG Guidelines, 2015. Collection method: clinical testing. Allele origin: germline. Observed: 1 variant allele. Not counted in ClinVar's aggregate classification.
Comment: PM2_supporting, PM5

Labcorp Genetics (formerly Invitae), Labcorp
Classification: Uncertain significance for Telangiectasia, hereditary hemorrhagic, type 2. Last evaluated: 2024-11-06. Review status: criteria provided, single submitter. Criteria: Invitae Variant Classification Sherloc (09022015). Collection method: clinical testing. Allele origin: germline. Not counted in ClinVar's aggregate classification.
Comment: This sequence change replaces arginine, which is basic and polar, with tryptophan, which is neutral and slightly polar, at codon 47 of the ACVRL1 protein (p.Arg47Trp). The frequency data for this variant in the population databases is considered unreliable, as metrics indicate poor data quality at this position in the gnomAD database. This missense change has been observed in individuals with hereditary hemorrhagic telangiectasia and/or pulmonary arterial hypertension (PMID: 29631995; internal data). ClinVar contains an entry for this variant (Variation ID: 1338955). Invitae Evidence Modeling of protein sequence and biophysical properties (such as structural, functional, and spatial information, amino acid conservation, physicochemical variation, residue mobility, and thermodynamic stability) has been performed for this missense variant. However, the output from this modeling did not meet the statistical confidence thresholds required to predict the impact of this variant on ACVRL1 protein function. This variant disrupts the p.Arg47 amino acid residue in ACVRL1. Other variant(s) that disrupt this residue have been determined to be pathogenic (PMID: 16542389, 22991266, 26176610). This suggests that this residue is clinically significant, and that variants that disrupt this residue are likely to be disease-causing. In summary, the available evidence is currently insufficient to determine the role of this variant in disease. Therefore, it has been classified as a Variant of Uncertain Significance.

Fulgent Genetics
Classification: Uncertain significance for Telangiectasia, hereditary hemorrhagic, type 2. Last evaluated: 2024-06-20. Review status: criteria provided, single submitter. Criteria: ACMG Guidelines, 2015. Collection method: clinical testing. Allele origin: germline. Not counted in ClinVar's aggregate classification.

ARUP Laboratories, Molecular Genetics and Genomics, ARUP Laboratories
Classification: Uncertain significance for Telangiectasia, hereditary hemorrhagic, type 2. Last evaluated: 2023-11-03. Review status: criteria provided, single submitter. Criteria: ARUP Molecular Germline Variant Investigation Process 2024. Collection method: clinical testing. Allele origin: germline. Not counted in ClinVar's aggregate classification.
Comment: The ACVRL1 c.139C>T; p.Arg47Trp variant (rs768072967) is reported in the literature in an individual with pulmonary veno-oclusive disease (Zhu 2018). This variant is also reported in ClinVar (Variation ID: 1338955). It is observed in the general population with an overall allele frequency of 0.002% (4/221746 alleles) in the Genome Aggregation Database. Computational analyses are uncertain whether this variant is neutral or deleterious (REVEL: 0.397). A different variant at this codon, p.Arg47Pro, is reported in individuals with HHT and has a defective BMP9 response and intracellular localization (Alaa El Din 2015, Nishida 2012, Wehner 2006). Due to limited information the clinical significance of the p.Arg47Trp variant is uncertain at this time. References: Alaa El Din F et al. Functional and splicing defect analysis of 23 ACVRL1 mutations in a cohort of patients affected by Hereditary Hemorrhagic Telangiectasia. PLoS One. 2015 Jul 15;10(7):e0132111. PMID: 26176610. Nishida T et al. Brain arteriovenous malformations associated with hereditary hemorrhagic telangiectasia: gene-phenotype correlations. Am J Med Genet A. 2012 Nov;158A(11):2829-34. PMID: 22991266. Wehner LE et al. Mutation analysis in hereditary haemorrhagic telangiectasia in Germany reveals 11 novel ENG and 12 novel ACVRL1/ALK1 mutations. Clin Genet. 2006 Mar;69(3):239-45. PMID: 16542389. Zhu N et al. Exome Sequencing in Children With Pulmonary Arterial Hypertension Demonstrates Differences Compared With Adults. Circ Genom Precis Med. 2018 Apr;11(4):e001887. PMID: 29631995.

Ambry Genetics
Classification: Uncertain significance for Cardiovascular phenotype. Last evaluated: 2023-07-26. Review status: criteria provided, single submitter. Criteria: Ambry Variant Classification Scheme 2023. Collection method: clinical testing. Allele origin: germline. Not counted in ClinVar's aggregate classification.
Comment: The p.R47W variant (also known as c.139C>T), located in coding exon 2 of the ACVRL1 gene, results from a C to T substitution at nucleotide position 139. The arginine at codon 47 is replaced by tryptophan, an amino acid with dissimilar properties. This alteration has been reported in a pulmonary arterial hypertension (PAH) cohort (Zhu N et al. Circ Genom Precis Med, 2018 Apr;11:e001887). This amino acid position is poorly conserved in available vertebrate species. In addition, the in silico prediction for this alteration is inconclusive. Since supporting evidence is limited at this time, the clinical significance of this alteration remains unclear.

Literature cited by the submitters: PubMed 29631995 (cited by 4 submitters); PubMed 16470589 (cited by Mayo Clinic Laboratories, Mayo Clinic); PubMed 16542389 (cited by Mayo Clinic Laboratories, Mayo Clinic and Labcorp Genetics (formerly Invitae), Labcorp); PubMed 22991266 (cited by Mayo Clinic Laboratories, Mayo Clinic and Labcorp Genetics (formerly Invitae), Labcorp); PubMed 26176610 (cited by Mayo Clinic Laboratories, Mayo Clinic and Labcorp Genetics (formerly Invitae), Labcorp).

NM_000020.3(ACVRL1):c.139C>T (p.Arg47Trp)

Gene: ACVRL1 (activin A receptor like type 1; plus strand). Cytogenetic location: 12q13.13.
Variant type: single nucleotide variant.
Coding change: c.139C>T on transcript NM_000020.3 (MANE Select); coding-DNA position 139, C replaced by T.
Protein change: p.Arg47Trp; replaces arginine 47 with tryptophan.
Molecular consequence: missense variant.
Genome position (GRCh38, 1-based): chr12:51,913,176, C>T. VCF-style: chr12-51913176-C-T. GRCh37 (hg19) VCF-style: chr12-52306960-C-T.
Other names: NM_000020.3(ACVRL1):c.139C>T; p.Arg47Trp; c.139C>T, p.Arg47Trp (NM_001077401.2); short protein forms R47W.
Identifiers: ClinVar variation 1338955 (VCV001338955.18), dbSNP rs768072967, ClinGen allele CA6572822.
Genomic context (GRCh38, chr12:51,913,176, plus strand): 5'-TCTCGGGGCCCGCTGGTGACCTGCACGTGTGAGAGCCCACATTGCAAGGGGCCTACCTGC[C>T]GGGGGGCCTGGTGCACAGTAGTGCTGGTGCGGGAGGAGGGGAGGCACCCCCAGGAACATC-3'
Protein context (NP_000011.2, residues 37-57): ESPHCKGPTC[Arg47Trp]GAWCTVVLVR